The following is an entry in ClinVar:

NM_004540.5(NCAM2):c.130+6T>C

Gene: NCAM2 (neural cell adhesion molecule 2; plus strand). Cytogenetic location: 21q21.1.
Variant type: single nucleotide variant.
Coding change: c.130+6T>C on transcript NM_004540.5 (MANE Select); 6 bases into the intron after coding-DNA position 130, T replaced by C.
Molecular consequence: intron variant.
Genome position (GRCh38, 1-based): chr21:21,280,658, T>C. VCF-style: chr21-21280658-T-C. GRCh37 (hg19) VCF-style: chr21-22652978-T-C.
Other names: NC_000021.8:g.22652978T>C; c.205+6T>C (NM_001352592.2, NM_001352597.2); c.130+6T>C (NM_001352591.2, NM_001352593.2, NM_001352594.2 and 1 more transcripts); c.56-11446T>C (NM_001352595.2).
Identifiers: ClinVar variation 3044809 (VCV003044809.3), dbSNP rs75625065, ClinGen allele CA9984984.
Genomic context (GRCh38, chr21:21,280,658, plus strand): 5'-TCACTTAGCAAAGTAGAGCTTAGTGTTGGAGAATCTAAATTCTTCACATGTACAGGTACG[T>C]ATTTCTGTAAATACCTTCAGATAACGTGGTTTCTGTTAAAATATTAATAAAATGTGTTGG-3'

ClinVar aggregate classification (germline): Benign (0 of 4 stars; one submission).

Conditions:
NCAM2-related disorder. Also called: NCAM2-related condition.

Allele frequency attached by ClinVar (database versions not stated): ESP Exome Variant Server 0.00008; TOPMed 0.00131; gnomAD exomes 0.00176; gnomAD 0.00318; ExAC 0.00500; 1000 Genomes Project 30x 0.00547; 1000 Genomes Project 0.00619.
gnomAD v4.1: 2,901 of 1,521,412 alleles (0.19%); highest among the groups gnomAD compares: East Asian, 2.8%; 43 homozygotes.

Submissions (2):

PreventionGenetics, part of Exact Sciences
Classification: Benign for NCAM2-related condition. Last evaluated: 2020-01-02. Review status: no assertion criteria provided. Collection method: clinical testing. Allele origin: germline.
Comment: This variant is classified as benign based on ACMG/AMP sequence variant interpretation guidelines (Richards et al. 2015 PMID: 25741868, with internal and published modifications).

Dr. Peter K. Rogan Lab, Western University
No classification provided (evidence only). Condition: Gastric cancer. Review status: no classification provided. Collection method: in vitro. Allele origin: not applicable. Functional consequence: retained intron. Not counted in ClinVar's aggregate classification.